The following is an entry in ClinVar:

ClinVar aggregate classification (germline): Pathogenic. Review status: criteria provided, multiple submitters, no conflicts (2 of 4 stars). 3 submissions from 3 submitters: Pathogenic (2). 1 of the submissions does not count toward it. Last evaluated 2020-11-20.

Conditions:
Familial hyperinsulinism. Also called: Congenital hyperinsulinism. Identifiers: Orphanet 276525, MedGen C3888018, MONDO:0017182. Disease mechanism: loss of function.
Hyperinsulinemic hypoglycemia, familial, 1 (HHF1). Also called: HYPERINSULINISM, FAMILIAL, WITH PANCREATIC NESIDIOBLASTOSIS; HYPOGLYCEMIA, HYPERINSULINEMIC, OF INFANCY; Persistent hyperinsulinemic hypoglycemia of infancy; NESIDIOBLASTOSIS OF PANCREAS; Persistent Hyperinsulinemia Hypoglycemia of Infancy. Identifiers: Orphanet 276575, Orphanet 276598, MedGen C2931832, MONDO:0009734, OMIM 256450.

Allele frequency attached by ClinVar (database versions not stated): gnomAD exomes below 0.00001.
gnomAD v4.1: 1 of 1,613,856 alleles (0.000062%); highest among the groups gnomAD compares: Non-Finnish European, 0.000085%; no homozygotes.

Submissions (3):

Women's Health and Genetics/Laboratory Corporation of America, LabCorp
Classification: Pathogenic for Familial hyperinsulinism. Last evaluated: 2020-11-20. Review status: criteria provided, single submitter. Criteria: LabCorp Variant Classification Summary - May 2015. Collection method: clinical testing. Allele origin: germline.
Comment: Variant summary: ABCC8 c.2222+1G>T is located in a canonical splice-site and is predicted to affect mRNA splicing resulting in a significantly altered protein due to either exon skipping, shortening, or inclusion of intronic material. Several computational tools predict a significant impact on normal splicing: Four predict that the variant abolishes a 5-prime splicing donor site. However, these predictions have yet to be confirmed by functional studies. The variant was absent in 251178 control chromosomes (gnomAD). c.2222+1G>T has been reported in the literature in individuals affected with Congenital Hyperinsulinism (e.g. Snider_2013, Warncke_2016, Li_2017, DeFranco_2020). These data indicate that the variant is likely associated with disease. To our knowledge, no experimental evidence demonstrating an impact on protein function has been reported. Two other clinical diagnostic laboratories have submitted clinical-significance assessments for this variant to ClinVar after 2014 without evidence for independent evaluation. Both laboratories classified the variant as pathogenic/likely pathogenic. Based on the evidence outlined above, the variant was classified as pathogenic.

Athena Diagnostics
Classification: Pathogenic. Last evaluated: 2017-08-30. Review status: criteria provided, single submitter. Criteria: Athena Diagnostics Criteria. Collection method: clinical testing. Allele origin: germline.

Counsyl
Classification: Likely pathogenic for Hyperinsulinemic hypoglycemia, familial, 1. Last evaluated: 2017-07-06. Review status: no assertion criteria provided. Collection method: clinical testing. Allele origin: unknown. Not counted in ClinVar's aggregate classification.

Literature cited by the submitters: PubMed 23275527 (cited by Women's Health and Genetics/Laboratory Corporation of America, LabCorp and Athena Diagnostics); PubMed 27682711 (cited by Women's Health and Genetics/Laboratory Corporation of America, LabCorp and Counsyl); PubMed 28442472 (cited by Women's Health and Genetics/Laboratory Corporation of America, LabCorp); PubMed 32027066 (cited by Women's Health and Genetics/Laboratory Corporation of America, LabCorp).

NM_000352.6(ABCC8):c.2222+1G>T

Gene: ABCC8 (ATP binding cassette subfamily C member 8; minus strand). Cytogenetic location: 11p15.1.
Variant type: single nucleotide variant.
Coding change: c.2222+1G>T on transcript NM_000352.6 (MANE Select); the canonical splice donor site of the intron after coding-DNA position 2222, G replaced by T.
Molecular consequence: splice donor variant.
Genome position (GRCh38, 1-based): chr11:17,427,048, C>A on the plus strand (G>T on the coding strand, the complement: ABCC8 is on the minus strand). VCF-style: chr11-17427048-C-A. GRCh37 (hg19) VCF-style: chr11-17448595-C-A.
Other names: c.2219+1G>T (NM_001351297.2, NM_001351296.2); c.2288+1G>T (NM_001351295.2); c.2222+1G>T (NM_001287174.3).
Identifiers: ClinVar variation 552779 (VCV000552779.4), dbSNP rs1554923999, ClinGen allele CA379813382.